The following is an entry in ClinVar:

NM_021072.4(HCN1):c.1036T>C (p.Ser346Pro)

Gene: HCN1 (hyperpolarization activated cyclic nucleotide gated potassium channel 1; minus strand). Cytogenetic location: 5p12.
Variant type: single nucleotide variant.
Coding change: c.1036T>C on transcript NM_021072.4 (MANE Select); coding-DNA position 1036, T replaced by C.
Protein change: p.Ser346Pro; replaces serine 346 with proline.
Molecular consequence: missense variant.
Genome position (GRCh38, 1-based): chr5:45,396,686, A>G on the plus strand (T>C on the coding strand, the complement: HCN1 is on the minus strand). VCF-style: chr5-45396686-A-G. GRCh37 (hg19) VCF-style: chr5-45396788-A-G.
Other names: short protein forms S346P.
Identifiers: ClinVar variation 1800607 (VCV001800607.2), dbSNP rs2478007133, ClinGen allele CA359705597.

ClinVar aggregate classification (germline): Uncertain significance (1 of 4 stars; one submission).

Submission:

GeneDx
Classification: Uncertain significance. Last evaluated: 2025-11-09. Review status: criteria provided, single submitter. Criteria: GeneDx Variant Classification Process June 2021. Collection method: clinical testing. Allele origin: germline.
Comment: Not observed at significant frequency in large population cohorts (gnomAD); In silico analysis supports that this missense variant has a deleterious effect on protein structure/function; Has not been previously published as pathogenic or benign to our knowledge